The following is an entry in ClinVar:

ClinVar aggregate classification (germline): Uncertain significance. Review status: criteria provided, multiple submitters, no conflicts (2 of 4 stars). 2 submissions from 2 submitters: Uncertain significance (2). Last evaluated 2022-10-20.

Conditions:
Juvenile polyposis syndrome (JPS). Identifiers: Orphanet 2929, MedGen C0345893, MONDO:0017380, OMIM 174900.

Submissions (2):

Blueprint Genetics
Classification: Uncertain significance. Last evaluated: 2022-10-20. Review status: criteria provided, single submitter. Criteria: ACMG Guidelines, 2015. Collection method: clinical testing. Allele origin: germline.

Labcorp Genetics (formerly Invitae), Labcorp
Classification: Uncertain significance for Juvenile polyposis syndrome. Last evaluated: 2022-09-21. Review status: criteria provided, single submitter. Criteria: Invitae Variant Classification Sherloc (09022015). Collection method: clinical testing. Allele origin: germline.
Comment: This sequence change replaces glutamine, which is neutral and polar, with proline, which is neutral and non-polar, at codon 284 of the SMAD4 protein (p.Gln284Pro). This variant is not present in population databases (gnomAD no frequency). This variant has not been reported in the literature in individuals affected with SMAD4-related conditions. Advanced modeling of protein sequence and biophysical properties (such as structural, functional, and spatial information, amino acid conservation, physicochemical variation, residue mobility, and thermodynamic stability) performed at Invitae indicates that this missense variant is not expected to disrupt SMAD4 protein function. In summary, the available evidence is currently insufficient to determine the role of this variant in disease. Therefore, it has been classified as a Variant of Uncertain Significance.

NM_005359.6(SMAD4):c.851A>C (p.Gln284Pro)

Gene: SMAD4 (SMAD family member 4; plus strand). Cytogenetic location: 18q21.2.
Variant type: single nucleotide variant.
Coding change: c.851A>C on transcript NM_005359.6 (MANE Select); coding-DNA position 851, A replaced by C.
Protein change: p.Gln284Pro; replaces glutamine 284 with proline.
Molecular consequence: missense variant.
Genome position (GRCh38, 1-based): chr18:51,058,403, A>C. VCF-style: chr18-51058403-A-C. GRCh37 (hg19) VCF-style: chr18-48584773-A-C.
Other names: c.851A>C, p.Gln284Pro (NM_001407041.1, NM_001407042.1, NM_001407043.1); short protein forms Q284P.
Identifiers: ClinVar variation 1719946 (VCV001719946.6), dbSNP rs2144428999, ClinGen allele CA402463506.